The following is an entry in ClinVar:

ClinVar aggregate classification (germline): Benign/Likely benign. Review status: criteria provided, multiple submitters, no conflicts (2 of 4 stars). 5 submissions from 5 submitters: Benign (2); Likely benign (1). 2 of the submissions do not count toward it. Last evaluated 2025-11-25.

Conditions:
AHDC1-related disorder. Also called: AHDC1-related condition.
AHDC1-related intellectual disability - obstructive sleep apnea - mild dysmorphism syndrome. Also called: Xia-Gibbs syndrome. Identifiers: Orphanet 412069, MedGen C4014419, MONDO:0014358, OMIM 615829.

Allele frequency attached by ClinVar (database versions not stated): ESP Exome Variant Server 0.00008; gnomAD exomes 0.00008 and 0.00025; ExAC 0.00022; gnomAD 0.00028 and 0.00030; TOPMed 0.00037; 1000 Genomes Project 30x 0.00062; 1000 Genomes Project 0.00080.
gnomAD v4.1: 170 of 1,608,812 alleles (0.011%); highest among the groups gnomAD compares: Admixed American, 0.15%; 1 homozygote.

Submissions (5):

Labcorp Genetics (formerly Invitae), Labcorp
Classification: Likely benign. Last evaluated: 2025-11-25. Review status: criteria provided, single submitter. Criteria: Invitae Variant Classification Sherloc (09022015). Collection method: clinical testing. Allele origin: germline.

Genome-Nilou Lab
Classification: Benign for AHDC1-related intellectual disability - obstructive sleep apnea - mild dysmorphism syndrome. Last evaluated: 2021-12-05. Review status: criteria provided, single submitter. Criteria: ACMG Guidelines, 2015. Collection method: clinical testing. Allele origin: germline. Affected: no.

GeneDx
Classification: Benign. Last evaluated: 2021-02-22. Review status: criteria provided, single submitter. Criteria: GeneDx Variant Classification Process June 2021. Collection method: clinical testing. Allele origin: germline. Affected: yes.

PreventionGenetics, part of Exact Sciences
Classification: Likely benign for AHDC1-related condition. Last evaluated: 2023-05-30. Review status: no assertion criteria provided. Collection method: clinical testing. Allele origin: germline. Not counted in ClinVar's aggregate classification.
Comment: This variant is classified as likely benign based on ACMG/AMP sequence variant interpretation guidelines (Richards et al. 2015 PMID: 25741868, with internal and published modifications).

Department of Pathology and Laboratory Medicine, Sinai Health System
Classification: Likely benign. Review status: no assertion criteria provided. Collection method: clinical testing. Allele origin: unknown. Affected: yes. Study: The Canadian Open Genetics Repository (COGR). Not counted in ClinVar's aggregate classification.
Comment: The AHDC1 p.Ala1535Thr variant was not identified in the literature nor was it identified in ClinVar and LOVD 3.0 databases. The variant was identified in dbSNP (ID: rs193153262 ) and Cosmic (FATHMM prediction of neutral; score 0.33). The variant was identified in control databases in 64 of 275310 chromosomes at a frequency of 0.000232 (Genome Aggregation Database Feb 27, 2017). The variant was observed in the following populations: Latino in 46 of 35208 chromosomes (freq: 0.001307), Other in 2 of 7066 chromosomes (freq: 0.000283), European (non-Finnish) in 15 of 123948 chromosomes (freq: 0.000121), South Asian in 1 of 30400 chromosomes (freq: 0.000033), while the variant was not observed in the African, Ashkenazi Jewish, East Asian, European (Finnish), populations. The variant occurs outside of the splicing consensus sequence and in silico splicing prediction software programs (SpliceSiteFinder, MaxEntScan, NNSPLICE, and GeneSplicer) do not predict a difference in splicing. The variant occurs outside of the splicing consensus sequence and in silico or computational prediction software programs (SpliceSiteFinder, MaxEntScan, NNSPLICE, and GeneSplicer) do not predict a difference in splicing. The p.Ala1535 residue is not conserved in mammals and computational analyses (PolyPhen-2, SIFT, AlignGVGD, BLOSUM, and MutationTaster) do not suggest a high likelihood of impact to the protein; however, this information is not predictive enough to rule out pathogenicity. In summary, based on the above information the clinical significance of this variant cannot be determined with certainty at this time although we would lean towards a more benign role for this variant. This variant is classified as likely benign.

NM_001371928.1(AHDC1):c.4603G>A (p.Ala1535Thr)

Gene: AHDC1 (AT-hook DNA binding motif containing 1; minus strand). Cytogenetic location: 1p36.11.
Variant type: single nucleotide variant.
Coding change: c.4603G>A on transcript NM_001371928.1 (MANE Select); coding-DNA position 4603, G replaced by A.
Protein change: p.Ala1535Thr; replaces alanine 1535 with threonine.
Molecular consequence: missense variant.
Genome position (GRCh38, 1-based): chr1:27,547,513, C>T on the plus strand (G>A on the coding strand, the complement: AHDC1 is on the minus strand). VCF-style: chr1-27547513-C-T. GRCh37 (hg19) VCF-style: chr1-27874024-C-T.
Other names: c.4603G>A, p.Ala1535Thr (NM_001029882.3); short protein forms A1535T.
Identifiers: ClinVar variation 1048836 (VCV001048836.13), dbSNP rs193153262, ClinGen allele CA715325.